The following is an entry in ClinVar:

ClinVar aggregate classification (germline): Uncertain significance (1 of 4 stars; one submission).

Conditions:
Nephronophthisis. Also called: Juvenile Nephronophthisis. Identifiers: Orphanet 655, MedGen C0687120, MONDO:0019005, HP:0000090.

Submission:

Labcorp Genetics (formerly Invitae), Labcorp
Classification: Uncertain significance for Nephronophthisis. Last evaluated: 2023-11-06. Review status: criteria provided, single submitter. Criteria: Invitae Variant Classification Sherloc (09022015). Collection method: clinical testing. Allele origin: germline.
Comment: This sequence change replaces arginine, which is basic and polar, with serine, which is neutral and polar, at codon 546 of the NPHP1 protein (p.Arg546Ser). This variant is not present in population databases (gnomAD no frequency). This variant has not been reported in the literature in individuals affected with NPHP1-related conditions. ClinVar contains an entry for this variant (Variation ID: 1400644). Advanced modeling of protein sequence and biophysical properties (such as structural, functional, and spatial information, amino acid conservation, physicochemical variation, residue mobility, and thermodynamic stability) performed at Invitae indicates that this missense variant is not expected to disrupt NPHP1 protein function with a negative predictive value of 80%. In summary, the available evidence is currently insufficient to determine the role of this variant in disease. Therefore, it has been classified as a Variant of Uncertain Significance.

NM_001128178.3(NPHP1):c.1470G>T (p.Arg490Ser)

Gene: NPHP1 (nephrocystin 1; minus strand). Cytogenetic location: 2q13.
Variant type: single nucleotide variant.
Coding change: c.1470G>T on transcript NM_001128178.3 (MANE Select); coding-DNA position 1470, G replaced by T.
Protein change: p.Arg490Ser; replaces arginine 490 with serine.
Molecular consequence: missense variant.
Genome position (GRCh38, 1-based): chr2:110,143,601, C>A on the plus strand (G>T on the coding strand, the complement: NPHP1 is on the minus strand). VCF-style: chr2-110143601-C-A. GRCh37 (hg19) VCF-style: chr2-110901178-C-A.
Other names: c.1638G>T, p.Arg546Ser (NM_000272.5); c.1281G>T, p.Arg427Ser (NM_001128179.3); c.1467G>T, p.Arg489Ser (NM_001374256.1); c.1470G>T, p.Arg490Ser (NM_001374257.1); c.1635G>T, p.Arg545Ser (NM_207181.4); short protein forms R490S, R545S, R427S, R546S, R489S.
Identifiers: ClinVar variation 1400644 (VCV001400644.6), dbSNP rs1680804337, ClinGen allele CA348087317.